The following is an entry in ClinVar:

ClinVar aggregate classification (germline): Uncertain significance (1 of 4 stars; one submission).

Allele frequency attached by ClinVar (database versions not stated): gnomAD exomes 0.00001; TOPMed 0.00001; gnomAD 0.00001.
gnomAD v4.1: 20 of 1,613,980 alleles (0.0012%); highest among the groups gnomAD compares: Admixed American, 0.0017%; no homozygotes.

Submission:

Labcorp Genetics (formerly Invitae), Labcorp
Classification: Uncertain significance. Last evaluated: 2025-07-16. Review status: criteria provided, single submitter. Criteria: Invitae Variant Classification Sherloc (09022015). Collection method: clinical testing. Allele origin: germline.
Comment: This sequence change replaces glycine, which is neutral and non-polar, with arginine, which is basic and polar, at codon 240 of the MBD4 protein (p.Gly240Arg). This variant is present in population databases (no rsID available, gnomAD 0.003%). This variant has not been reported in the literature in individuals affected with MBD4-related conditions. ClinVar contains an entry for this variant (Variation ID: 2693851). An algorithm developed to predict the effect of missense changes on protein structure and function outputs the following: PolyPhen-2: "Benign". The arginine amino acid residue is found in multiple mammalian species, which suggests that this missense change does not adversely affect protein function. In summary, the available evidence is currently insufficient to determine the role of this variant in disease. Therefore, it has been classified as a Variant of Uncertain Significance.

NM_001276270.2(MBD4):c.718G>A (p.Gly240Arg)

Gene: MBD4 (methyl-CpG binding domain 4, DNA glycosylase; minus strand). Cytogenetic location: 3q21.3.
Variant type: single nucleotide variant.
Coding change: c.718G>A on transcript NM_001276270.2 (MANE Select); coding-DNA position 718, G replaced by A.
Protein change: p.Gly240Arg; replaces glycine 240 with arginine.
Molecular consequence: missense variant. On other transcripts: intron variant (1).
Genome position (GRCh38, 1-based): chr3:129,436,926, C>T on the plus strand (G>A on the coding strand, the complement: MBD4 is on the minus strand). VCF-style: chr3-129436926-C-T. GRCh37 (hg19) VCF-style: chr3-129155769-C-T.
Other names: c.718G>A, p.Gly240Arg (NM_001276271.2, NM_001276272.2, NM_003925.3); c.247+882G>A (NM_001276273.2); short protein forms G240R.
Identifiers: ClinVar variation 2693851 (VCV002693851.3), dbSNP rs1348960305, ClinGen allele CA354467411.